The following is an entry in ClinVar:

NM_032242.4(PLXNA1):c.199G>A (p.Ala67Thr)

Gene: PLXNA1 (plexin A1; plus strand). Cytogenetic location: 3q21.3.
Variant type: single nucleotide variant.
Coding change: c.199G>A on transcript NM_032242.4 (MANE Select); coding-DNA position 199, G replaced by A.
Protein change: p.Ala67Thr; replaces alanine 67 with threonine.
Molecular consequence: missense variant.
Genome position (GRCh38, 1-based): chr3:126,988,792, G>A. VCF-style: chr3-126988792-G-A. GRCh37 (hg19) VCF-style: chr3-126707635-G-A.
Other names: short protein forms A67T.
Identifiers: ClinVar variation 3348009 (VCV003348009.1).

ClinVar aggregate classification (germline): Uncertain significance (0 of 4 stars; one submission).

Conditions:
PLXNA1-related disorder. Also called: PLXNA1-related condition.

gnomAD v4.1: 5 of 1,610,840 alleles (0.00031%); highest among the groups gnomAD compares: African/African-American, 0.0013%; no homozygotes.

Submission:

PreventionGenetics, part of Exact Sciences
Classification: Uncertain significance for PLXNA1-related condition. Last evaluated: 2024-02-08. Review status: no assertion criteria provided. Collection method: clinical testing. Allele origin: germline.
Comment: The PLXNA1 c.199G>A variant is predicted to result in the amino acid substitution p.Ala67Thr. To our knowledge, this variant has not been reported in the literature. This variant is reported in 0.00089% of alleles in individuals of European (Non-Finnish) descent in gnomAD. At this time, the clinical significance of this variant is uncertain due to the absence of conclusive functional and genetic evidence.